The following is an entry in ClinVar:

NM_004174.4(SLC9A3):c.2386G>A (p.Gly796Ser)

Genes: SLC9A3 (solute carrier family 9 member A3), SLC9A3-AS1 (SLC9A3 antisense RNA 1; plus strand). Cytogenetic location: 5p15.33.
Variant type: single nucleotide variant.
Coding change: c.2386G>A on transcript NM_004174.4 (MANE Select); coding-DNA position 2386, G replaced by A.
Protein change: p.Gly796Ser; replaces glycine 796 with serine.
Molecular consequence: missense variant.
Genome position (GRCh38, 1-based): chr5:474,998, C>T on the plus strand (G>A on the coding strand, the complement: SLC9A3 is on the minus strand). VCF-style: chr5-474998-C-T. GRCh37 (hg19) VCF-style: chr5-475113-C-T.
Other names: c.2359G>A, p.Gly787Ser (NM_001284351.3); short protein forms G787S, G796S.
Identifiers: ClinVar variation 1439456 (VCV001439456.5), dbSNP rs757493997, ClinGen allele CA3175465.
Genomic context (GRCh38, chr5:474,998, plus strand): 5'-GCAGGAAGGAGTCCACGGACTTGCTGCTGAGGCGGAAGGGCATCAGGCGGCAGAAGGTGC[C>T]GGGAGAGTAGGGAATCTGCGTGCGGGCCCTCTGCGAGGGGACCACCGTCTCCCCGGGAGA-3'
Protein context (NP_004165.2, residues 786-806): RARTQIPYSP[Gly796Ser]TFCRLMPFRL

ClinVar aggregate classification (germline): Uncertain significance (1 of 4 stars; one submission).

Allele frequency attached by ClinVar (database versions not stated): gnomAD 0.00003 and 0.00004; TOPMed 0.00013; gnomAD exomes 0.00022; ExAC 0.00023.
gnomAD v4.1: 65 of 1,612,086 alleles (0.004%); highest among the groups gnomAD compares: Admixed American, 0.092%; no homozygotes.

Submission:

Labcorp Genetics (formerly Invitae), Labcorp
Classification: Uncertain significance. Last evaluated: 2021-09-24. Review status: criteria provided, single submitter. Criteria: Invitae Variant Classification Sherloc (09022015). Collection method: clinical testing. Allele origin: germline.
Comment: This sequence change replaces glycine with serine at codon 796 of the SLC9A3 protein (p.Gly796Ser). The glycine residue is weakly conserved and there is a small physicochemical difference between glycine and serine. This variant is present in population databases (rs757493997, ExAC 0.2%). This variant has not been reported in the literature in individuals with SLC9A3-related conditions. Algorithms developed to predict the effect of missense changes on protein structure and function output the following: SIFT: "Not Available"; PolyPhen-2: "Benign"; Align-GVGD: "Not Available". The serine amino acid residue is found in multiple mammalian species, suggesting that this missense change does not adversely affect protein function. These predictions have not been confirmed by published functional studies and their clinical significance is uncertain. In summary, the available evidence is currently insufficient to determine the role of this variant in disease. Therefore, it has been classified as a Variant of Uncertain Significance.